The following is an entry in ClinVar:

NM_001367624.2(ZNF469):c.9733G>A (p.Ala3245Thr)

Gene: ZNF469 (zinc finger protein 469; plus strand). Cytogenetic location: 16q24.2.
Variant type: single nucleotide variant.
Coding change: c.9733G>A on transcript NM_001367624.2 (MANE Select); coding-DNA position 9733, G replaced by A.
Protein change: p.Ala3245Thr; replaces alanine 3245 with threonine.
Molecular consequence: missense variant.
Genome position (GRCh38, 1-based): chr16:88,437,203, G>A. VCF-style: chr16-88437203-G-A. GRCh37 (hg19) VCF-style: chr16-88503611-G-A.
Other names: NM_001127464.1:c.9649G>A; short protein forms A3245T.
Identifiers: ClinVar variation 3232886 (VCV003232886.1), dbSNP rs1906648237, ClinGen allele CA397124598.

ClinVar aggregate classification (germline): Uncertain significance (1 of 4 stars; one submission).

Conditions:
Cardiovascular phenotype. Identifiers: MedGen CN230736.

gnomAD v4.1: 5 of 1,549,354 alleles (0.00032%); highest among the groups gnomAD compares: African/African-American, 0.0014%; no homozygotes.

Submission:

Ambry Genetics
Classification: Uncertain significance for Cardiovascular phenotype. Last evaluated: 2023-11-29. Review status: criteria provided, single submitter. Criteria: Ambry Variant Classification Scheme 2023. Collection method: clinical testing. Allele origin: germline.
Comment: The p.A3217T variant (also known as c.9649G>A), located in coding exon 2 of the ZNF469 gene, results from a G to A substitution at nucleotide position 9649. The alanine at codon 3217 is replaced by threonine, an amino acid with similar properties. This amino acid position is conserved. In addition, this alteration is predicted to be tolerated by in silico analysis. Since supporting evidence is limited at this time, the clinical significance of this alteration remains unclear.